The following is an entry in ClinVar:

ClinVar aggregate classification (germline): Pathogenic (1 of 4 stars; one submission).

gnomAD v4.1: 2 of 1,612,990 alleles (0.00012%); highest among the groups gnomAD compares: Non-Finnish European, 0.00017%; no homozygotes.

Submission:

Labcorp Genetics (formerly Invitae), Labcorp
Classification: Pathogenic. Last evaluated: 2024-10-28. Review status: criteria provided, single submitter. Criteria: Invitae Variant Classification Sherloc (09022015). Collection method: clinical testing. Allele origin: germline.
Comment: This sequence change creates a premature translational stop signal (p.Tyr882*) in the RBP3 gene. It is expected to result in an absent or disrupted protein product. Loss-of-function variants in RBP3 are known to be pathogenic (PMID: 9614228, 23105016, 25766589). This variant is not present in population databases (gnomAD no frequency). This variant has not been reported in the literature in individuals affected with RBP3-related conditions. For these reasons, this variant has been classified as Pathogenic.

Literature cited by the submitters: PubMed 9614228; PubMed 23105016; PubMed 25766589.

NM_002900.3(RBP3):c.2646C>G (p.Tyr882Ter)

Gene: RBP3 (retinol binding protein 3; plus strand). Cytogenetic location: 10q11.22.
Variant type: single nucleotide variant.
Coding change: c.2646C>G on transcript NM_002900.3 (MANE Select); coding-DNA position 2646, C replaced by G.
Protein change: p.Tyr882Ter; replaces tyrosine 882 with a stop codon.
Molecular consequence: nonsense.
Genome position (GRCh38, 1-based): chr10:47,351,130, C>G. VCF-style: chr10-47351130-C-G. GRCh37 (hg19) VCF-style: chr10-48388232-G-C.
Other names: short protein forms Y882*.
Identifiers: ClinVar variation 3672980 (VCV003672980.2).